The following is an entry in ClinVar:

ClinVar aggregate classification (germline): Uncertain significance (1 of 4 stars; one submission).

Conditions:
TUB-related disorder. Also called: TUB-related condition.

Allele frequency attached by ClinVar (database versions not stated): ExAC 0.00001; gnomAD 0.00002; gnomAD exomes 0.00002; TOPMed 0.00004.
gnomAD v4.1: 14 of 1,612,192 alleles (0.00087%); highest among the groups gnomAD compares: Admixed American, 0.02%; no homozygotes.

Submission:

PreventionGenetics, part of Exact Sciences
Classification: Uncertain significance for TUB-related condition. Last evaluated: 2023-09-15. Review status: criteria provided, single submitter. Criteria: ACMG Guidelines, 2015. Collection method: clinical testing. Allele origin: germline.
Comment: The TUB c.673G>A variant is predicted to result in the amino acid substitution p.Ala225Thr. To our knowledge, this variant has not been reported in the literature. This variant is reported in 0.020% of alleles in individuals of Latino descent in gnomAD. At this time, the clinical significance of this variant is uncertain due to the absence of conclusive functional and genetic evidence.

NM_177972.3(TUB):c.508G>A (p.Ala170Thr)

Genes: RIC3 (RIC3 acetylcholine receptor chaperone; minus strand), TUB (TUB bipartite transcription factor; plus strand). Cytogenetic location: 11p15.4.
Variant type: single nucleotide variant.
Coding change: c.508G>A on transcript NM_177972.3 (MANE Select); coding-DNA position 508, G replaced by A.
Protein change: p.Ala170Thr; replaces alanine 170 with threonine.
Molecular consequence: missense variant.
Genome position (GRCh38, 1-based): chr11:8,095,608, G>A. VCF-style: chr11-8095608-G-A. GRCh37 (hg19) VCF-style: chr11-8117155-G-A.
Other names: c.673G>A, p.Ala225Thr (NM_003320.5); short protein forms A170T, A225T.
Identifiers: ClinVar variation 2628531 (VCV002628531.1), dbSNP rs765970403, ClinGen allele CA5871116.